The following is an entry in ClinVar:

NM_000492.4(CFTR):c.2909-92G>A

Genes: CFTR (CF transmembrane conductance regulator; plus strand), CFTR-AS2 (CFTR antisense RNA 2; minus strand). Cytogenetic location: 7q31.2.
Variant type: single nucleotide variant.
Coding change: c.2909-92G>A on transcript NM_000492.4 (MANE Select); 92 bases into the intron before coding-DNA position 2909, G replaced by A.
Molecular consequence: intron variant.
Genome position (GRCh38, 1-based): chr7:117,606,582, G>A. VCF-style: chr7-117606582-G-A. GRCh37 (hg19) VCF-style: chr7-117246636-G-A.
Identifiers: ClinVar variation 818088 (VCV000818088.8), dbSNP rs35050470, ClinGen allele CA16312570.

ClinVar aggregate classification (germline): Benign. Review status: criteria provided, multiple submitters, no conflicts (2 of 4 stars). 5 submissions from 5 submitters: Benign (4). 1 of the submissions does not count toward it. Last evaluated 2021-07-01.

Conditions:
Cystic fibrosis (CF). Also called: MUCOVISCIDOSIS. Identifiers: Orphanet 586, MedGen C0010674, MONDO:0009061, OMIM 219700. Disease mechanism: loss of function.
CFTR-related disorder (CFTR-RD). Also called: CFTR-related disorders; CFTR-related condition. Identifiers: MedGen C5924204, MONDO:7770004.

Allele frequency attached by ClinVar (database versions not stated): TOPMed 0.14902; gnomAD exomes 0.18571; 1000 Genomes Project 30x 0.11727; 1000 Genomes Project 0.11921; gnomAD 0.16144 and 0.16197.
gnomAD v4.1: 140,404 of 776,818 alleles (18%); highest among the groups gnomAD compares: South Asian, 22%; 14,066 homozygotes.

Submissions (5):

Genome-Nilou Lab
Classification: Benign for Cystic fibrosis. Last evaluated: 2021-07-01. Review status: criteria provided, single submitter. Criteria: ACMG Guidelines, 2015. Collection method: clinical testing. Allele origin: germline. Affected: no.

GeneDx
Classification: Benign. Last evaluated: 2018-06-21. Review status: criteria provided, single submitter. Criteria: GeneDx Variant Classification Process June 2021. Collection method: clinical testing. Allele origin: germline. Affected: yes.

CFTR-France
Classification: Benign for cystic fibrosis. Last evaluated: 2018-01-29. Review status: criteria provided, single submitter. Criteria: Claustres M et al. (Hum Mutat 2017). Collection method: curation. Allele origin: germline. Affected: yes and no.
Comment: the variant does not result in CFTR-RD neither

Breakthrough Genomics
Classification: Benign. Review status: criteria provided, single submitter. Criteria: ACMG Guidelines, 2015. Collection method: not provided. Allele origin: germline. Inheritance: Autosomal recessive inheritance. Affected: yes.

Natera, Inc.
Classification: Benign for CFTR-related disorders. Last evaluated: 2018-10-16. Review status: no assertion criteria provided. Collection method: clinical testing. Allele origin: germline. Not counted in ClinVar's aggregate classification.